The following is an entry in ClinVar:

ClinVar aggregate classification (germline): Conflicting classifications of pathogenicity. Review status: criteria provided, conflicting classifications (1 of 4 stars). 2 submissions from 2 submitters: Likely pathogenic (1); Uncertain significance (1). Last evaluated 2023-08-10.

Conditions:
Asphyxiating thoracic dystrophy 5 (SRTD5). Also called: SHORT-RIB THORACIC DYSPLASIA 5 WITH OR WITHOUT POLYDACTYLY; SHORT-RIB THORACIC DYSPLASIA 5 WITHOUT POLYDACTYLY. Identifiers: Orphanet 474, MedGen C3280598, MONDO:0013717, OMIM 614376.
Senior-Loken syndrome 8 (SLSN8). Identifiers: Orphanet 3156, MedGen C4225376, MONDO:0014579, OMIM 616307.
Inborn genetic diseases. Identifiers: MedGen C0950123, MeSH D030342.

Submissions (2):

Labcorp Genetics (formerly Invitae), Labcorp
Classification: Uncertain significance for Senior-Loken syndrome 8; Asphyxiating thoracic dystrophy 5. Last evaluated: 2023-08-10. Review status: criteria provided, single submitter. Criteria: Invitae Variant Classification Sherloc (09022015). Collection method: clinical testing. Allele origin: germline.
Comment: In summary, the available evidence is currently insufficient to determine the role of this variant in disease. Therefore, it has been classified as a Variant of Uncertain Significance. Advanced modeling of protein sequence and biophysical properties (such as structural, functional, and spatial information, amino acid conservation, physicochemical variation, residue mobility, and thermodynamic stability) has been performed at Invitae for this missense variant, however the output from this modeling did not meet the statistical confidence thresholds required to predict the impact of this variant on WDR19 protein function. ClinVar contains an entry for this variant (Variation ID: 985153). This variant has not been reported in the literature in individuals affected with WDR19-related conditions. This variant is not present in population databases (gnomAD no frequency). This sequence change replaces leucine, which is neutral and non-polar, with proline, which is neutral and non-polar, at codon 964 of the WDR19 protein (p.Leu964Pro).

Ambry Genetics
Classification: Likely pathogenic for Inborn genetic diseases. Last evaluated: 2017-05-05. Review status: criteria provided, single submitter. Criteria: Ambry exome assertion method (8-5-2015). Collection method: clinical testing. Allele origin: germline. Affected: yes. Observed: 1 variant allele.

Literature cited by the submitters: PubMed 23683095 (cited by Ambry Genetics).

NM_025132.4(WDR19):c.2891T>C (p.Leu964Pro)

Gene: WDR19 (WD repeat domain 19; plus strand). Cytogenetic location: 4p14.
Variant type: single nucleotide variant.
Coding change: c.2891T>C on transcript NM_025132.4 (MANE Select); coding-DNA position 2891, T replaced by C.
Protein change: p.Leu964Pro; replaces leucine 964 with proline.
Molecular consequence: missense variant.
Genome position (GRCh38, 1-based): chr4:39,253,920, T>C. VCF-style: chr4-39253920-T-C. GRCh37 (hg19) VCF-style: chr4-39255540-T-C.
Other names: c.2411T>C, p.Leu804Pro (NM_001317924.2); short protein forms L804P, L964P.
Identifiers: ClinVar variation 985153 (VCV000985153.10), dbSNP rs1733504639, ClinGen allele CA356641746.
Genomic context (GRCh38, chr4:39,253,920, plus strand): 5'-ACAAATTTATATTAAGAGTCTAGCTAATTAAAGTACTTTGCTTTAGGTTTTTTCTACAGC[T>C]TGGTGACTATGGGTCTGCCATCCAGTTTCTTGTCATGTCCAAATGCAACAATGAAGCTTT-3'
Protein context (NP_079408.3, residues 954-974): AKMVARFFLQ[Leu964Pro]GDYGSAIQFL